The following is an entry in ClinVar:

ClinVar aggregate classification (germline): Uncertain significance. Review status: criteria provided, multiple submitters, no conflicts (2 of 4 stars). 2 submissions from 2 submitters: Uncertain significance (2). Last evaluated 2026-01-25.

Conditions:
Inborn genetic diseases. Identifiers: MedGen C0950123, MeSH D030342.

gnomAD v4.1: 1 of 1,613,598 alleles (0.000062%); highest among the groups gnomAD compares: Non-Finnish European, 0.000085%; no homozygotes.

Submissions (2):

GeneDx
Classification: Uncertain significance. Last evaluated: 2026-01-25. Review status: criteria provided, single submitter. Criteria: GeneDx Variant Classification Process June 2021. Collection method: clinical testing. Allele origin: germline.
Comment: Not observed at significant frequency in large population cohorts (gnomAD); In silico analysis supports that this missense variant has a deleterious effect on protein structure/function; Has not been previously published as pathogenic or benign to our knowledge

Ambry Genetics
Classification: Uncertain significance for Inborn genetic diseases. Last evaluated: 2024-10-19. Review status: criteria provided, single submitter. Criteria: Ambry Variant Classification Scheme 2023. Collection method: clinical testing. Allele origin: germline.

NM_019032.6(ADAMTSL4):c.2467T>C (p.Cys823Arg)

Gene: ADAMTSL4 (ADAMTS like 4; plus strand). Cytogenetic location: 1q21.2.
Variant type: single nucleotide variant.
Coding change: c.2467T>C on transcript NM_019032.6 (MANE Select); coding-DNA position 2467, T replaced by C.
Protein change: p.Cys823Arg; replaces cysteine 823 with arginine.
Molecular consequence: missense variant.
Genome position (GRCh38, 1-based): chr1:150,558,557, T>C. VCF-style: chr1-150558557-T-C. GRCh37 (hg19) VCF-style: chr1-150531033-T-C.
Other names: c.2350T>C, p.Cys784Arg (NM_001288607.2); c.2536T>C, p.Cys846Arg (NM_001288608.2); c.2467T>C, p.Cys823Arg (NM_001378596.1, NM_025008.5); c.2467T>C (NM_019032.5); short protein forms C784R, C846R, C823R.
Identifiers: ClinVar variation 3492972 (VCV003492972.2).